The following is an entry in ClinVar:

ClinVar aggregate classification (germline): Uncertain significance (1 of 4 stars; one submission).

Conditions:
Hereditary cancer-predisposing syndrome. Also called: Tumor predisposition; Neoplastic Syndromes, Hereditary; Hereditary neoplastic syndrome; Hereditary Cancer Syndrome. Identifiers: Orphanet 140162, MedGen C0027672, MeSH D009386, MONDO:0015356.

gnomAD v4.1: 2 of 1,613,816 alleles (0.00012%); highest among the groups gnomAD compares: South Asian, 0.0022%; no homozygotes.

Submission:

Ambry Genetics
Classification: Uncertain significance for Hereditary cancer-predisposing syndrome. Last evaluated: 2024-11-17. Review status: criteria provided, single submitter. Criteria: Ambry Variant Classification Scheme 2023. Collection method: clinical testing. Allele origin: germline.
Comment: The p.T543S variant (also known as c.1628C>G), located in coding exon 10 of the ATM gene, results from a C to G substitution at nucleotide position 1628. The threonine at codon 543 is replaced by serine, an amino acid with similar properties. This amino acid position is conserved. In addition, this alteration is predicted to be tolerated by in silico analysis. Based on the available evidence, the clinical significance of this variant remains unclear.

NM_000051.4(ATM):c.1628C>G (p.Thr543Ser)

Gene: ATM (ATM serine/threonine kinase; plus strand). Cytogenetic location: 11q22.3.
Variant type: single nucleotide variant.
Coding change: c.1628C>G on transcript NM_000051.4 (MANE Select); coding-DNA position 1628, C replaced by G.
Protein change: p.Thr543Ser; replaces threonine 543 with serine.
Molecular consequence: missense variant.
Genome position (GRCh38, 1-based): chr11:108,251,857, C>G. VCF-style: chr11-108251857-C-G. GRCh37 (hg19) VCF-style: chr11-108122584-C-G.
Other names: c.1628C>G, p.Thr543Ser (NM_001351834.2); short protein forms T543S.
Identifiers: ClinVar variation 3452781 (VCV003452781.1).
Genomic context (GRCh38, chr11:108,251,857, plus strand): 5'-AATAGCTTGCTTTTCACAATTGTCCTTTGTTTTGTTATAGTCCTGCAGTATGCTGTTTGA[C>G]TTTGGCACTGACCACCAGTATAGTTCCAGGAACGGTAAAAATGGGAATAGAGCAAAATAT-3'
Protein context (NP_000042.3, residues 533-553): RPSCPAVCCL[Thr543Ser]LALTTSIVPG